The following is an entry in ClinVar:

ClinVar aggregate classification (germline): Uncertain significance (1 of 4 stars; one submission).

Allele frequency attached by ClinVar (database versions not stated): gnomAD 0.00001; TOPMed 0.00001.

Submission:

Labcorp Genetics (formerly Invitae), Labcorp
Classification: Uncertain significance. Last evaluated: 2022-11-10. Review status: criteria provided, single submitter. Criteria: Invitae Variant Classification Sherloc (09022015). Collection method: clinical testing. Allele origin: germline.
Comment: This sequence change replaces methionine, which is neutral and non-polar, with isoleucine, which is neutral and non-polar, at codon 517 of the STAG1 protein (p.Met517Ile). This variant is not present in population databases (gnomAD no frequency). This variant has not been reported in the literature in individuals affected with STAG1-related conditions. Algorithms developed to predict the effect of missense changes on protein structure and function (SIFT, PolyPhen-2, Align-GVGD) all suggest that this variant is likely to be tolerated. In summary, the available evidence is currently insufficient to determine the role of this variant in disease. Therefore, it has been classified as a Variant of Uncertain Significance.

NM_005862.3(STAG1):c.1551G>A (p.Met517Ile)

Gene: STAG1 (STAG1 cohesin complex component; minus strand). Cytogenetic location: 3q22.3.
Variant type: single nucleotide variant.
Coding change: c.1551G>A on transcript NM_005862.3 (MANE Select); coding-DNA position 1551, G replaced by A.
Protein change: p.Met517Ile; replaces methionine 517 with isoleucine.
Molecular consequence: missense variant.
Genome position (GRCh38, 1-based): chr3:136,433,655, C>T on the plus strand (G>A on the coding strand, the complement: STAG1 is on the minus strand). VCF-style: chr3-136433655-C-T. GRCh37 (hg19) VCF-style: chr3-136152497-C-T.
Other names: short protein forms M517I.
Identifiers: ClinVar variation 2813514 (VCV002813514.3), dbSNP rs1276106351, ClinGen allele CA354646440.
Genomic context (GRCh38, chr3:136,433,655, plus strand): 5'-AGCAGCTTGACGAATTGTACAAACCATTAGCTCTATAAGAGCACTCTCTTGACGATCAGA[C>T]ATTGCTAAGGTAAAACAAAATACATGAGCATGAGTAGACAGTTTTACAACAACCATGTAT-3'
Protein context (NP_005853.2, residues 507-527): LEEPVQGEEA[Met517Ile]SDRQESALIE